The following is an entry in ClinVar:

ClinVar aggregate classification (germline): Likely benign. Review status: criteria provided, single submitter (1 of 4 stars). 2 submissions from 2 submitters: Likely benign (1). 1 of the submissions does not count toward it. Last evaluated 2024-10-21.

Conditions:
NR1H4-related disorder. Also called: NR1H4-related condition.

Allele frequency attached by ClinVar (database versions not stated): ExAC 0.00006; gnomAD exomes 0.00007; ESP Exome Variant Server 0.00023; TOPMed 0.00027; gnomAD 0.00032.
gnomAD v4.1: 147 of 1,614,046 alleles (0.0091%); highest among the groups gnomAD compares: African/African-American, 0.092%; no homozygotes.

Submissions (2):

Labcorp Genetics (formerly Invitae), Labcorp
Classification: Likely benign. Last evaluated: 2024-10-21. Review status: criteria provided, single submitter. Criteria: Invitae Variant Classification Sherloc (09022015). Collection method: clinical testing. Allele origin: germline.

PreventionGenetics, part of Exact Sciences
Classification: Likely benign for NR1H4-related condition. Last evaluated: 2022-05-26. Review status: no assertion criteria provided. Collection method: clinical testing. Allele origin: germline. Not counted in ClinVar's aggregate classification.
Comment: This variant is classified as likely benign based on ACMG/AMP sequence variant interpretation guidelines (Richards et al. 2015 PMID: 25741868, with internal and published modifications).

NM_001206979.2(NR1H4):c.474C>T (p.Asn158=)

Gene: NR1H4 (nuclear receptor subfamily 1 group H member 4; plus strand). Cytogenetic location: 12q23.1.
Variant type: single nucleotide variant.
Coding change: c.474C>T on transcript NM_001206979.2 (MANE Select); coding-DNA position 474, C replaced by T.
Protein change: p.Asn158=; no amino-acid change (asparagine 158 retained).
Molecular consequence: synonymous variant. On other transcripts: non-coding transcript variant (1), intron variant (1).
Genome position (GRCh38, 1-based): chr12:100,532,486, C>T. VCF-style: chr12-100532486-C-T. GRCh37 (hg19) VCF-style: chr12-100926264-C-T.
Other names: c.474C>T, p.Asn158= (NM_001206977.2, NM_005123.4); c.504C>T, p.Asn168= (NM_001206992.2, NM_001206993.2); c.446-2404C>T (NM_001206978.2).
Identifiers: ClinVar variation 3048061 (VCV003048061.4), dbSNP rs143504528, ClinGen allele CA6739259.